The following is an entry in ClinVar:

NM_020631.6(PLEKHG5):c.2374_2376del (p.Thr792del)

Gene: PLEKHG5 (pleckstrin homology and RhoGEF domain containing G5; minus strand). Cytogenetic location: 1p36.31.
Variant type: Deletion.
Coding change: c.2374_2376del on transcript NM_020631.6 (MANE Select); coding-DNA positions 2374 to 2376, 3 bases deleted (ACT; older notation c.2374_2376delACT).
Protein change: p.Thr792del; deletes threonine 792.
Molecular consequence: inframe deletion. On other transcripts: inframe indel (4).
Genome position (GRCh38, 1-based): chr1:6,468,460-6,468,462, AGT deleted on the plus strand (ACT on the coding strand, the reverse complement: PLEKHG5 is on the minus strand). VCF-style (leftmost placement, unchanged base first): chr1-6468459-CAGT-C. GRCh37 (hg19) VCF-style: chr1-6528519-CAGT-C.
Other names: c.2485_2487del, p.Thr829del (NM_001042663.3, NM_001265592.2); c.2374_2376delACT, p.Thr792del (NM_001042664.2, NM_001042665.2, NM_001265594.3); c.2581_2583delACT, p.Thr861del (NM_001265593.2); c.2374_2376del, p.Thr792del (NM_198681.4); short protein forms T829del, T861del, T792del.
Identifiers: ClinVar variation 1790333 (VCV001790333.2), dbSNP rs2523118408, ClinGen allele CA2580062542.
Genomic context (GRCh38, chr1:6,468,459, plus strand): 5'-AGGAGCGGCCGTCCACCGGACCCAGGGGCAGCAGCTCACTGGTGGGCGTGGCAGATGAGG[CAGT>C]GGTGCTGAGAGAGGTCTCATCAGACTGGGAGCTGAAAGGACCGCTGTCGAACTCGGGGGA-3'

ClinVar aggregate classification (germline): Uncertain significance (1 of 4 stars; one submission).

Conditions:
Inborn genetic diseases. Identifiers: MedGen C0950123, MeSH D030342.

Submission:

Ambry Genetics
Classification: Uncertain significance for Inborn genetic diseases. Last evaluated: 2019-09-19. Review status: criteria provided, single submitter. Criteria: Ambry Variant Classification Scheme 2023. Collection method: clinical testing. Allele origin: germline.
Comment: The c.2374_2376delACT variant (also known as p.T792del) is located in coding exon 19 of the PLEKHG5 gene. This variant results from an in-frame ACT deletion at nucleotide positions 2374 to 2376. This results in the in-frame deletion of a threonine at codon 792. This amino acid position is not well conserved in available vertebrate species. Since supporting evidence is limited at this time, the clinical significance of this alteration remains unclear.